The following is an entry in ClinVar:

NM_024642.5(GALNT12):c.92C>T (p.Ala31Val)

Genes: GALNT12 (polypeptide N-acetylgalactosaminyltransferase 12; plus strand), LOC130002222 (ATAC-STARR-seq lymphoblastoid silent region 20123; plus strand). Cytogenetic location: 9q22.33.
Variant type: single nucleotide variant.
Coding change: c.92C>T on transcript NM_024642.5 (MANE Select); coding-DNA position 92, C replaced by T.
Protein change: p.Ala31Val; replaces alanine 31 with valine.
Molecular consequence: missense variant.
Genome position (GRCh38, 1-based): chr9:98,807,790, C>T. VCF-style: chr9-98807790-C-T. GRCh37 (hg19) VCF-style: chr9-101570072-C-T.
Other names: short protein forms A31V.
Identifiers: ClinVar variation 3227972 (VCV003227972.1), dbSNP rs2118255665, ClinGen allele CA374222245.

ClinVar aggregate classification (germline): Uncertain significance (1 of 4 stars; one submission).

Allele frequency attached by ClinVar (database versions not stated): gnomAD exomes 0.00001.
gnomAD v4.1: 1 of 1,126,832 alleles (0.000089%); highest among the groups gnomAD compares: Non-Finnish European, 0.00011%; no homozygotes.

Submission:

Ambry Genetics
Classification: Uncertain significance. Last evaluated: 2023-10-08. Review status: criteria provided, single submitter. Criteria: Ambry Variant Classification Scheme 2023. Collection method: clinical testing. Allele origin: germline.
Comment: The p.A31V variant (also known as c.92C>T), located in coding exon 1 of the GALNT12 gene, results from a C to T substitution at nucleotide position 92. The alanine at codon 31 is replaced by valine, an amino acid with similar properties. This amino acid position is conserved. In addition, this alteration is predicted to be tolerated by in silico analysis. Since supporting evidence is limited at this time, the clinical significance of this alteration remains unclear.